The following is an entry in ClinVar:

ClinVar aggregate classification (germline): Uncertain significance. Review status: criteria provided, multiple submitters, no conflicts (2 of 4 stars). 3 submissions from 3 submitters: Uncertain significance (2). 1 of the submissions does not count toward it. Last evaluated 2025-11-12.

Conditions:
Congenital anomaly of kidney and urinary tract. Also called: Congenital anomalies of the kidney and urinary tract; Congenital anomalies of kidney and urinary tract. Identifiers: Orphanet 93545, MedGen C1968949, MeSH C566906, MONDO:0019719.
Vesicoureteral reflux 2 (VUR2). Identifiers: Orphanet 289365, MedGen C1970483, MONDO:0012573, OMIM 610878.

Allele frequency attached by ClinVar (database versions not stated): gnomAD exomes below 0.00001; gnomAD 0.00001; TOPMed 0.00001.
gnomAD v4.1: 6 of 1,613,274 alleles (0.00037%); highest among the groups gnomAD compares: Admixed American, 0.0017%; no homozygotes.

Submissions (3):

Labcorp Genetics (formerly Invitae), Labcorp
Classification: Uncertain significance. Last evaluated: 2025-11-12. Review status: criteria provided, single submitter. Criteria: Invitae Variant Classification Sherloc (09022015). Collection method: clinical testing. Allele origin: germline.
Comment: This sequence change replaces aspartic acid, which is acidic and polar, with glycine, which is neutral and non-polar, at codon 766 of the ROBO2 protein (p.Asp766Gly). This variant is not present in population databases (gnomAD no frequency). This missense change has been observed in individual(s) with vesicoureteral reflux (PMID: 18235093, 38012624). ClinVar contains an entry for this variant (Variation ID: 995969). Invitae Evidence Modeling of protein sequence and biophysical properties (such as structural, functional, and spatial information, amino acid conservation, physicochemical variation, residue mobility, and thermodynamic stability) indicates that this missense variant is not expected to disrupt ROBO2 protein function with a negative predictive value of 95%. In summary, the available evidence is currently insufficient to determine the role of this variant in disease. Therefore, it has been classified as a Variant of Uncertain Significance.

Institute of Human Genetics, University of Leipzig Medical Center
Classification: Uncertain significance for Congenital anomaly of kidney and urinary tract. Last evaluated: 2021-01-09. Review status: criteria provided, single submitter. Criteria: ACMG Guidelines, 2015. Collection method: curation. Allele origin: germline. Inheritance: Autosomal dominant inheritance. Affected: yes.
Comment: This ROBO2 variant was reported as Likely pathogenicâ€‹ in PMID: 18235093 with original nomenclature reported as p.Asp766Gly. Variant was re-classified as Uncertain Significance based on the criteria PM2_Supporting.

Immunogenetics and Transplant Biology Service, University Hospital "Città della Salute e della Scienza di Torino"
Classification: Uncertain significance for Vesicoureteral reflux 2. Last evaluated: 2023-07-03. Review status: no assertion criteria provided. Collection method: clinical testing. Allele origin: germline. Affected: yes. Not counted in ClinVar's aggregate classification.

Literature cited by the submitters: PubMed 18235093 (cited by Labcorp Genetics (formerly Invitae), Labcorp and Institute of Human Genetics, University of Leipzig Medical Center); PubMed 38012624 (cited by Labcorp Genetics (formerly Invitae), Labcorp).

NM_001395656.1(ROBO2):c.2309A>G (p.Asp770Gly)

Gene: ROBO2 (roundabout guidance receptor 2; plus strand). Cytogenetic location: 3p12.3.
Variant type: single nucleotide variant.
Coding change: c.2309A>G on transcript NM_001395656.1 (MANE Select); coding-DNA position 2309, A replaced by G.
Protein change: p.Asp770Gly; replaces aspartic acid 770 with glycine.
Molecular consequence: missense variant.
Genome position (GRCh38, 1-based): chr3:77,577,583, A>G. VCF-style: chr3-77577583-A-G. GRCh37 (hg19) VCF-style: chr3-77626734-A-G.
Other names: c.2297A>G (NM_002942.4); c.2345A>G, p.Asp782Gly (NM_001128929.3); c.2309A>G, p.Asp770Gly (NM_001290039.2, NM_001290040.2, NM_001378202.1); c.518A>G, p.Asp173Gly (NM_001290065.2); c.2357A>G, p.Asp786Gly (NM_001378190.1, NM_001378191.1, NM_001378195.1 and 4 more transcripts); c.2378A>G, p.Asp793Gly (NM_001378192.1, NM_001378194.1, NM_001378198.1 and 2 more transcripts); c.2297A>G, p.Asp766Gly (NM_001378193.1, NM_001378197.1, NM_002942.5); c.2366A>G, p.Asp789Gly (NM_001394212.1, NM_001394214.1, NM_001395657.1); short protein forms D173G, D766G, D770G, D782G, D786G, D793G, D789G.
Identifiers: ClinVar variation 995969 (VCV000995969.9), dbSNP rs1559650461, ClinGen allele CA353522668.
Genomic context (GRCh38, chr3:77,577,583, plus strand): 5'-TGACAGTTGGAAGCTACAATAGCACAAGTATTAGTGTTTCCTGGGATCCTCCTCCTCCAG[A>G]TCACCAGAATGGAATTATCCAAGAATACAAGGTAGGACCCGGGTGAAGAAGGACAGCTCT-3'
Protein context (NP_001382585.1, residues 760-780): ISVSWDPPPP[Asp770Gly]HQNGIIQEYK